The following is an entry in ClinVar:

NM_000026.4(ADSL):c.1101+233A>G

Gene: ADSL (adenylosuccinate lyase; plus strand). Cytogenetic location: 22q13.1.
Variant type: single nucleotide variant.
Coding change: c.1101+233A>G on transcript NM_000026.4 (MANE Select); 233 bases into the intron after coding-DNA position 1101, A replaced by G.
Molecular consequence: intron variant.
Genome position (GRCh38, 1-based): chr22:40,363,304, A>G. VCF-style: chr22-40363304-A-G. GRCh37 (hg19) VCF-style: chr22-40759308-A-G.
Other names: c.1101+233A>G (NM_001363840.3, NM_001123378.3); c.909+233A>G (NM_001317923.2).
Identifiers: ClinVar variation 678102 (VCV000678102.2), dbSNP rs17001863, ClinGen allele CA15997948.

ClinVar aggregate classification (germline): Benign. Review status: criteria provided, multiple submitters, no conflicts (2 of 4 stars). 2 submissions from 2 submitters: Benign (2). Last evaluated 2018-06-19.

Allele frequency attached by ClinVar (database versions not stated): TOPMed 0.10801; 1000 Genomes Project 30x 0.11071; 1000 Genomes Project 0.11202; gnomAD 0.12034 and 0.12102.
gnomAD v4.1: 18,429 of 152,226 alleles (12%); highest among the groups gnomAD compares: South Asian, 15%; 1,221 homozygotes.

Submissions (2):

GeneDx
Classification: Benign. Last evaluated: 2018-06-19. Review status: criteria provided, single submitter. Criteria: GeneDx Variant Classification (06012015). Collection method: clinical testing. Allele origin: germline. Affected: yes.
Comment: This variant is considered likely benign or benign based on one or more of the following criteria: it is a conservative change, it occurs at a poorly conserved position in the protein, it is predicted to be benign by multiple in silico algorithms, and/or has population frequency not consistent with disease.

Breakthrough Genomics
Classification: Benign. Review status: criteria provided, single submitter. Criteria: ACMG Guidelines, 2015. Collection method: not provided. Allele origin: germline. Inheritance: Autosomal recessive inheritance. Affected: yes.